The following is an entry in ClinVar:

NM_053025.4(MYLK):c.-153C>T

Gene: MYLK (myosin light chain kinase; minus strand). Cytogenetic location: 3q21.1.
Variant type: single nucleotide variant.
Coding change: c.-153C>T on transcript NM_053025.4 (MANE Select); 153 bases upstream of the start codon, C replaced by T.
Molecular consequence: 5 prime UTR variant.
Genome position (GRCh38, 1-based): chr3:123,876,585, G>A on the plus strand (C>T on the coding strand, the complement: MYLK is on the minus strand). VCF-style: chr3-123876585-G-A. GRCh37 (hg19) VCF-style: chr3-123595432-G-A.
Other names: c.-473C>T (NM_001321309.2); c.-153C>T (NM_053026.4, NM_053027.4, NM_053028.4).
Identifiers: ClinVar variation 342913 (VCV000342913.6), dbSNP rs2700408, ClinGen allele CA10617094.
Genomic context (GRCh38, chr3:123,876,585, plus strand): 5'-AAATATAAGAATCCATCTTTTATCATGCTATTACCTTTATTTTTTCTCTTCAGCTGGCCC[G>A]AATTGGTTTCTGTTAATTTTGAAGAATCCTTCCTAATACACAAATCAAAGAAATAATAGA-3'

ClinVar aggregate classification (germline): Benign. Review status: criteria provided, multiple submitters, no conflicts (2 of 4 stars). 2 submissions from 2 submitters: Benign (2). Last evaluated 2018-01-13.

Conditions:
Aortic aneurysm, familial thoracic 7 (AAT7). Also called: AORTIC DISSECTION, FAMILIAL, WITH OR WITHOUT AORTIC ANEURYSM. Identifiers: MedGen C3151077, MONDO:0013418, OMIM 613780.

Allele frequency attached by ClinVar (database versions not stated): 1000 Genomes Project 0.66973; 1000 Genomes Project 30x 0.67411; gnomAD 0.73761 and 0.74210; TOPMed 0.74676.

Submissions (2):

Illumina Laboratory Services, Illumina
Classification: Benign for Aortic aneurysm, familial thoracic 7. Last evaluated: 2018-01-13. Review status: criteria provided, single submitter. Criteria: ICSL Variant Classification Criteria 13 December 2019. Collection method: clinical testing. Allele origin: germline.
Comment: This variant was observed in the ICSL laboratory as part of a predisposition screen in an ostensibly healthy population. It had not been previously curated by ICSL or reported in the Human Gene Mutation Database (HGMD: prior to June 1st, 2018), and was therefore a candidate for classification through an automated scoring system. Utilizing variant allele frequency, disease prevalence and penetrance estimates, and inheritance mode, an automated score was calculated to assess if this variant is too frequent to cause the disease. Based on the score and internal cut-off values, a variant classified as benign is not then subjected to further curation. The score for this variant resulted in a classification of benign for this disease.

Breakthrough Genomics
Classification: Benign. Review status: criteria provided, single submitter. Criteria: ACMG Guidelines, 2015. Collection method: not provided. Allele origin: germline. Inheritance: Autosomal recessive inheritance. Affected: yes.